The following is an entry in ClinVar:

NM_145038.5(DRC1):c.1246G>A (p.Ala416Thr)

Gene: DRC1 (dynein regulatory complex subunit 1; plus strand). Cytogenetic location: 2p23.3.
Variant type: single nucleotide variant.
Coding change: c.1246G>A on transcript NM_145038.5 (MANE Select); coding-DNA position 1246, G replaced by A.
Protein change: p.Ala416Thr; replaces alanine 416 with threonine.
Molecular consequence: missense variant.
Genome position (GRCh38, 1-based): chr2:26,444,798, G>A. VCF-style: chr2-26444798-G-A. GRCh37 (hg19) VCF-style: chr2-26667666-G-A.
Other names: short protein forms A416T.
Identifiers: ClinVar variation 845082 (VCV000845082.9), dbSNP rs779720693, ClinGen allele CA1562177.
Genomic context (GRCh38, chr2:26,444,798, plus strand): 5'-GAGAAGTTTTGGGAGATTTGGCTGATGAATGAAGAGGAGGCGAAGGACCTAATAGCCAGA[G>A]CCTTTGATGTGGACAGGATCATCCACACCCATCATCTGGGGCTTCCCTGGGCAGCACCTG-3'
Protein context (NP_659475.2, residues 406-426): EEEAKDLIAR[Ala416Thr]FDVDRIIHTH

ClinVar aggregate classification (germline): Uncertain significance (1 of 4 stars; one submission).

Conditions:
Primary ciliary dyskinesia. Also called: Ciliary dyskinesia. Identifiers: Orphanet 244, MedGen C0008780, MONDO:0016575, HP:0012265.

Allele frequency attached by ClinVar (database versions not stated): ExAC 0.00001; gnomAD exomes 0.00001 and 0.00002; TOPMed 0.00002; gnomAD 0.00003.
gnomAD v4.1: 9 of 1,614,106 alleles (0.00056%); highest among the groups gnomAD compares: Admixed American, 0.015%; no homozygotes.

Submission:

Labcorp Genetics (formerly Invitae), Labcorp
Classification: Uncertain significance for Primary ciliary dyskinesia. Last evaluated: 2024-02-17. Review status: criteria provided, single submitter. Criteria: Invitae Variant Classification Sherloc (09022015). Collection method: clinical testing. Allele origin: germline.
Comment: This sequence change replaces alanine, which is neutral and non-polar, with threonine, which is neutral and polar, at codon 416 of the DRC1 protein (p.Ala416Thr). This variant is present in population databases (rs779720693, gnomAD 0.01%). This variant has not been reported in the literature in individuals affected with DRC1-related conditions. ClinVar contains an entry for this variant (Variation ID: 845082). An algorithm developed to predict the effect of missense changes on protein structure and function (PolyPhen-2) suggests that this variant¬†is likely to be tolerated. In summary, the available evidence is currently insufficient to determine the role of this variant in disease. Therefore, it has been classified as a Variant of Uncertain Significance.